The following is an entry in ClinVar:

ClinVar aggregate classification (germline): Uncertain significance (1 of 4 stars; one submission).

Allele frequency attached by ClinVar (database versions not stated): ExAC 0.00003; gnomAD 0.00003; gnomAD exomes 0.00003; TOPMed 0.00003.
gnomAD v4.1: 17 of 1,612,716 alleles (0.0011%); highest among the groups gnomAD compares: Admixed American, 0.01%; no homozygotes.

Submission:

Labcorp Genetics (formerly Invitae), Labcorp
Classification: Uncertain significance. Last evaluated: 2023-07-07. Review status: criteria provided, single submitter. Criteria: Invitae Variant Classification Sherloc (09022015). Collection method: clinical testing. Allele origin: germline.
Comment: This sequence change affects codon 432 of the MERTK mRNA. It is a 'silent' change, meaning that it does not change the encoded amino acid sequence of the MERTK protein. It affects a nucleotide within the consensus splice site. This variant is present in population databases (rs770858923, gnomAD 0.008%). In summary, the available evidence is currently insufficient to determine the role of this variant in disease. Therefore, it has been classified as a Variant of Uncertain Significance. Algorithms developed to predict the effect of sequence changes on RNA splicing suggest that this variant is not likely to affect RNA splicing. ClinVar contains an entry for this variant (Variation ID: 1054303). This variant has not been reported in the literature in individuals affected with MERTK-related conditions.

NM_006343.3(MERTK):c.1296C>T (p.Ser432=)

Gene: MERTK (MER proto-oncogene, tyrosine kinase; plus strand). Cytogenetic location: 2q13.
Variant type: single nucleotide variant.
Coding change: c.1296C>T on transcript NM_006343.3 (MANE Select); coding-DNA position 1296, C replaced by T.
Protein change: p.Ser432=; no amino-acid change (serine 432 retained).
Molecular consequence: synonymous variant.
Genome position (GRCh38, 1-based): chr2:111,982,993, C>T. VCF-style: chr2-111982993-C-T. GRCh37 (hg19) VCF-style: chr2-112740570-C-T.
Identifiers: ClinVar variation 1054303 (VCV001054303.9), dbSNP rs770858923, ClinGen allele CA1831319.